The following is an entry in ClinVar:

NM_000059.4(BRCA2):c.6413T>A (p.Val2138Asp)

Gene: BRCA2 (BRCA2 DNA repair associated; plus strand). Cytogenetic location: 13q13.1.
Variant type: single nucleotide variant.
Coding change: c.6413T>A on transcript NM_000059.4 (MANE Select); coding-DNA position 6413, T replaced by A.
Protein change: p.Val2138Asp; replaces valine 2138 with aspartic acid.
Molecular consequence: missense variant.
Genome position (GRCh38, 1-based): chr13:32,340,768, T>A. VCF-style: chr13-32340768-T-A. GRCh37 (hg19) VCF-style: chr13-32914905-T-A.
Other names: short protein forms V2138D.
Identifiers: ClinVar variation 52088 (VCV000052088.40), dbSNP rs80358877, ClinGen allele CA024010.

ClinVar aggregate classification (germline): Conflicting classifications of pathogenicity. Review status: criteria provided, conflicting classifications (1 of 4 stars). 13 submissions from 13 submitters: Uncertain significance (5); Likely benign (5). 3 of the submissions do not count toward it. Last evaluated 2025-12-09.

Conditions:
BRCA2-related cancer predisposition. Identifiers: MedGen CN377758, MONDO:0700269.
BRCA2-related disorder. Also called: BRCA2-related condition; BRCA2-related disorders. Identifiers: MedGen CN239275.
Hereditary cancer-predisposing syndrome. Also called: Hereditary Cancer Syndrome; Neoplastic Syndromes, Hereditary; Hereditary neoplastic syndrome; Tumor predisposition. Identifiers: Orphanet 140162, MedGen C0027672, MeSH D009386, MONDO:0015356.
Hereditary breast ovarian cancer syndrome. Also called: Hereditary breast and ovarian cancer syndrome; Breast and ovarian cancer; BRCA1- and BRCA2-Associated Hereditary Breast and Ovarian Cancer; Hereditary breast and/or ovarian cancer syndrome; Hereditary breast and ovarian cancer; Hereditary breast and ovarian cancer syndrome (HBOC). Identifiers: Orphanet 145, MedGen C0677776, MeSH D061325, MONDO:0003582. Disease mechanism: loss of function.
Breast-ovarian cancer, familial, susceptibility to, 2 (BROVCA2). Also called: BRCA2 Hereditary Breast and Ovarian Cancer. Identifiers: Orphanet 145, MedGen C2675520, MONDO:0012933, OMIM 612555. Disease mechanism: loss of function.

Allele frequency attached by ClinVar (database versions not stated): gnomAD 0.00001; gnomAD exomes 0.00001 and 0.00002; ExAC 0.00002.
gnomAD v4.1: 9 of 1,598,050 alleles (0.00056%); highest among the groups gnomAD compares: Admixed American, 0.016%; no homozygotes.

Submissions (13):

Color Diagnostics, LLC DBA Color Health
Classification: Likely benign for Hereditary cancer-predisposing syndrome. Last evaluated: 2025-12-09. Review status: criteria provided, single submitter. Criteria: ACMG Guidelines, 2015. Collection method: clinical testing. Allele origin: germline.

Labcorp Genetics (formerly Invitae), Labcorp
Classification: Likely benign for Hereditary breast ovarian cancer syndrome. Last evaluated: 2025-12-01. Review status: criteria provided, single submitter. Criteria: Invitae Variant Classification Sherloc (09022015). Collection method: clinical testing. Allele origin: germline.

ARUP Laboratories, Molecular Genetics and Genomics, ARUP Laboratories
Classification: Likely benign. Last evaluated: 2025-03-06. Review status: criteria provided, single submitter. Criteria: ARUP Molecular Germline Variant Investigation Process 2024. Collection method: clinical testing. Allele origin: germline.

Quest Diagnostics Nichols Institute San Juan Capistrano
Classification: Uncertain significance. Last evaluated: 2024-11-18. Review status: criteria provided, single submitter. Criteria: Quest Diagnostics criteria. Collection method: clinical testing. Allele origin: unknown.
Comment: The BRCA2 c.6413T>A (p.Val2138Asp) variant has been reported in the published literature in individuals suspected to have Lynch syndrome (PMID: 25980754 (2015)) as well as in reportedly healthy individuals (PMID: 24728327 (2014)). It is described to be located in a region of the BRCA2 gene that is tolerant to missense sequences changes (PMID: 31911673 (2020)). An experimental study using BRCA2-deficient cells and poly (ADP-ribose) polymerase (PARP) inhibitors suggested that this variant has no damaging effect on protein function, but further studies are required to confirm the functional impact of this variant (PMID: 32444794 (2020)). The frequency of this variant in the general population, 0.00017 (5/30274 chromosomes (Genome Aggregation Database)), is uninformative in the assessment of its pathogenicity. Analysis of this variant using bioinformatics tools for the prediction of the effect of amino acid changes on protein structure and function yielded predictions that this variant is benign. Based on the available information, we are unable to determine the clinical significance of this variant.

PreventionGenetics, part of Exact Sciences
Classification: Uncertain significance for BRCA2-related condition. Last evaluated: 2024-11-06. Review status: criteria provided, single submitter. Criteria: ACMG Guidelines, 2015. Collection method: clinical testing. Allele origin: germline.
Comment: The BRCA2 c.6413T>A variant is predicted to result in the amino acid substitution p.Val2138Asp. This variant has been reported in an individual that underwent Lynch syndrome testing (Yurgelun et al. 2015. PubMed ID: 25980754) as well as in healthy controls and in individuals in the Mexican population (Bodian et al. 2014. PubMed ID: 24728327; Fernández-Lopez et al. 2019. PubMed ID: 30630528). Functional studies showed this variant did not negatively impact protein function (Ikegami et al. 2020. PubMed ID: 32444794). This variant is reported in 0.017% of alleles in individuals of Latino descent in gnomAD. This variant has conflicting interpretations in ClinVar ranging from uncertain significance to likely benign. At this time, the clinical significance of this variant is uncertain due to the absence of conclusive functional and genetic evidence.

All of Us Research Program, National Institutes of Health
Classification: Uncertain significance for BRCA2-related cancer predisposition. Last evaluated: 2024-09-23. Review status: criteria provided, single submitter. Criteria: ACMG Guidelines, 2015. Collection method: clinical testing. Allele origin: germline. Inheritance: Autosomal dominant inheritance. Observed: 4 variant alleles, 4 heterozygotes.
Comment: This missense variant replaces valine with aspartic acid at codon 2138 of the BRCA2 protein. Computational prediction suggests that this variant may not impact protein structure and function (internally defined REVEL score threshold <= 0.5, PMID: 27666373). A functional study has reported that this variant does not impact BRCA2 function, as assayed by response to PARP inhibitors (PMID: 32444794). This variant has been reported in an individual suspected to be affected with Lynch syndrome and an individual affected with breast cancer (PMID: 25980754, DOI: 10.1158/1538-7445.SABCS21-P3-07-07). The individual affected with breast cancer also carried a pathogenic variant in the BRCA1 gene that could explain the observed phenotype (DOI: 10.1158/1538-7445.SABCS21-P3-07-07). This variant has been identified in 5/234562 chromosomes in the general population by the Genome Aggregation Database (gnomAD). The available evidence is insufficient to determine the role of this variant in disease conclusively. Therefore, this variant is classified as a Variant of Uncertain Significance.

This study involves interpretation of variants in research participants for the purpose of population health screening. Participant phenotype was not available at the time of variant classification. Additional details can be found in publication PMID: 35346344, PMCID: PMC8962531

Women's Health and Genetics/Laboratory Corporation of America, LabCorp
Classification: Uncertain significance. Last evaluated: 2024-06-28. Review status: criteria provided, single submitter. Criteria: LabCorp Variant Classification Summary - May 2015. Collection method: clinical testing. Allele origin: germline.
Comment: Variant summary: BRCA2 c.6413T>A (p.Val2138Asp) results in a non-conservative amino acid change in the encoded protein sequence. Four of five in-silico tools predict a benign effect of the variant on protein function. The variant allele was found at a frequency of 2.9e-05 in 242246 control chromosomes. The available data on variant occurrences in the general population are insufficient to allow any conclusion about variant significance. c.6413T>A has been reported in the literature as a VUS in a study reporting multigene panel findings among individuals who underwent clinical genetic testing for Lynch syndrome (example, Yurgelun_2015). This report does not provide unequivocal conclusions about association of the variant with Hereditary Breast And Ovarian Cancer Syndrome. At least one publication reports experimental evidence evaluating an impact on protein function. These results showed no damaging effect of this variant in a high-throughput functional evaluation utilizing BRCA2-deficient cells and poly (ADP-ribose) polymerase (PARP) inhibitors (Ikegami_2020). The following publications have been ascertained in the context of this evaluation (PMID: 30630528, 32444794, 25980754). ClinVar contains an entry for this variant (Variation ID: 52088). Based on the evidence outlined above, the variant was classified as uncertain significance.

Ambry Genetics
Classification: Likely benign for Hereditary cancer-predisposing syndrome. Last evaluated: 2024-03-20. Review status: criteria provided, single submitter. Criteria: Ambry Variant Classification Scheme 2023. Collection method: clinical testing. Allele origin: germline.

University of Washington Department of Laboratory Medicine, University of Washington
Classification: Likely benign for Hereditary cancer-predisposing syndrome. Last evaluated: 2023-03-23. Review status: criteria provided, single submitter. Criteria: Dines et al. (Genet Med. 2020). Collection method: curation. Allele origin: germline.
Comment: Missense variant in a coldspot region where missense variants are very unlikely to be pathogenic (PMID:31911673).

BRCA2 exon 11 coldspot. Reclassification based on statistical prior probability.

GeneDx
Classification: Uncertain significance. Last evaluated: 2021-12-01. Review status: criteria provided, single submitter. Criteria: GeneDx Variant Classification Process June 2021. Collection method: clinical testing. Allele origin: germline. Affected: yes.
Comment: In silico analysis supports that this missense variant does not alter protein structure/function; Observed in at least one individual with a personal history of a Lynch syndrome-associated cancer and/or colon polyps (Yurgelun 2015); Also known as 6641T>A; This variant is associated with the following publications: (PMID: 31131967, 24728327, 25980754)

Research Molecular Genetics Laboratory, Women's College Hospital, University of Toronto
Classification: Uncertain significance. Last evaluated: 2014-01-31. Review status: no assertion criteria provided. Collection method: research. Allele origin: germline. Affected: yes. Study: The Canadian Open Genetics Repository (COGR). Not counted in ClinVar's aggregate classification.

ITMI
No classification provided. Condition: AllHighlyPenetrant. Last evaluated: 2013-09-19. Review status: no classification provided. Collection method: reference population. Allele origin: germline. Not counted in ClinVar's aggregate classification.
Comment: Please see associated publication for description of ethnicities

Breast Cancer Information Core (BIC) (BRCA2)
Classification: Uncertain significance for Breast-ovarian cancer, familial 2. Review status: no assertion criteria provided. Collection method: clinical testing. Allele origin: germline. Affected: yes. Observed: 1 variant allele. Not counted in ClinVar's aggregate classification.

Literature cited by the submitters: PubMed 31911673 (cited by Quest Diagnostics Nichols Institute San Juan Capistrano); PubMed 25980754 (cited by 3 submitters); PubMed 32444794 (cited by 3 submitters); PubMed 30630528 (cited by Quest Diagnostics Nichols Institute San Juan Capistrano and Women's Health and Genetics/Laboratory Corporation of America, LabCorp); PubMed 24728327 (cited by 3 submitters).